The following is an entry in ClinVar:

ClinVar aggregate classification (germline): Likely pathogenic. Review status: criteria provided, multiple submitters, no conflicts (2 of 4 stars). 2 submissions from 2 submitters: Likely pathogenic (2). Last evaluated 2019-05-14.

Conditions:
Dilated cardiomyopathy 1G (CMD1G). Identifiers: Orphanet 154, MedGen C1858763, MONDO:0011400, OMIM 604145.
Autosomal recessive limb-girdle muscular dystrophy type 2J (LGMDR10). Also called: MUSCULAR DYSTROPHY, LIMB-GIRDLE, AUTOSOMAL RECESSIVE 10; Limb-girdle muscular dystrophy, type 2J. Identifiers: Orphanet 140922, MedGen C1837342, MONDO:0012127, OMIM 608807.

Submissions (2):

Labcorp Genetics (formerly Invitae), Labcorp
Classification: Likely pathogenic for Dilated cardiomyopathy 1G; Autosomal recessive limb-girdle muscular dystrophy type 2J. Last evaluated: 2019-05-14. Review status: criteria provided, single submitter. Criteria: Invitae Variant Classification Sherloc (09022015). Collection method: clinical testing. Allele origin: germline.
Comment: This variant is located in the A band of TTN (PMID: 25589632). Truncating variants in this region are significantly overrepresented in patients affected with dilated cardiomyopathy (PMID: 25589632). Truncating variants in this region have also been reported in individuals affected with autosomal recessive centronuclear myopathy (PMID: 23975875). Algorithms developed to predict the effect of sequence changes on RNA splicing suggest that this variant may create or strengthen a splice site, but this prediction has not been confirmed by published transcriptional studies. This variant has not been reported in the literature in individuals with TTN-related conditions. ClinVar contains an entry for this variant (Variation ID: 389160). This variant is not present in population databases (ExAC no frequency). This sequence change results in a premature translational stop signal in the TTN gene (p.Trp21581*). While this is not anticipated to result in nonsense mediated decay, it is expected to create a truncated TTN protein. In summary, the currently available evidence indicates that the variant is pathogenic, but additional data are needed to prove that conclusively. Therefore, this variant has been classified as Likely Pathogenic.

GeneDx
Classification: Likely pathogenic. Last evaluated: 2016-09-06. Review status: criteria provided, single submitter. Criteria: GeneDx Variant Classification (06012015). Collection method: clinical testing. Allele origin: germline. Affected: yes.
Comment: The W19940X variant in the TTN gene has not been reported previously as a pathogenic variant nor as a benign variant, to our knowledge. This variant is predicted to cause loss of normal protein function either through protein truncation or nonsense-mediated mRNA decay. The W19940X variant was not observed in approximately 6,100 individuals of European and African American ancestry in the NHLBI Exome Sequencing Project, indicating it is not a common benign variant in these populations. In general, truncating TTN variants have been reported in approximately 3% of control alleles (Herman D et al., 2012). However, W19940X is located in the A-band region of titin, where the majority of pathogenic truncating variants associated with dilated cardiomyopathy have been reported (Herman D et al., 2012). Therefore, we interpret W19940X as a likely pathogenic variant.

Literature cited by the submitters: PubMed 25589632 (cited by Labcorp Genetics (formerly Invitae), Labcorp); PubMed 23975875 (cited by Labcorp Genetics (formerly Invitae), Labcorp).

NM_001267550.2(TTN):c.64742G>A (p.Trp21581Ter)

Genes: TTN (titin; minus strand), TTN-AS1 (TTN antisense RNA 1; plus strand). Cytogenetic location: 2q31.2.
Variant type: single nucleotide variant.
Coding change: c.64742G>A on transcript NM_001267550.2 (MANE Select); coding-DNA position 64742, G replaced by A.
Protein change: p.Trp21581Ter; replaces tryptophan 21581 with a stop codon.
Molecular consequence: nonsense. On other transcripts: non-coding transcript variant (1).
Genome position (GRCh38, 1-based): chr2:178,584,899, C>T on the plus strand (G>A on the coding strand, the complement: TTN is on the minus strand). VCF-style: chr2-178584899-C-T. GRCh37 (hg19) VCF-style: chr2-179449626-C-T.
Other names: c.59819G>A, p.Trp19940Ter (NM_001256850.1); c.37547G>A, p.Trp12516Ter (NM_003319.4); c.57038G>A, p.Trp19013Ter (NM_133378.4); c.37922G>A, p.Trp12641Ter (NM_133432.3); c.38123G>A, p.Trp12708Ter (NM_133437.4); short protein forms W19940*, W21581*, W12641*, W12708*, W12516*, W19013*.
Identifiers: ClinVar variation 389160 (VCV000389160.12), dbSNP rs1057523344, ClinGen allele CA16604139.